The following is an entry in ClinVar:

NM_006946.4(SPTBN2):c.342C>T (p.His114=)

Gene: SPTBN2 (spectrin beta, non-erythrocytic 2; minus strand). Cytogenetic location: 11q13.2.
Variant type: single nucleotide variant.
Coding change: c.342C>T on transcript NM_006946.4 (MANE Select); coding-DNA position 342, C replaced by T.
Protein change: p.His114=; no amino-acid change (histidine 114 retained).
Molecular consequence: synonymous variant.
Genome position (GRCh38, 1-based): chr11:66,715,363, G>A on the plus strand (C>T on the coding strand, the complement: SPTBN2 is on the minus strand). VCF-style: chr11-66715363-G-A. GRCh37 (hg19) VCF-style: chr11-66482834-G-A.
Other names: c.342C>T (NM_006946.2).
Identifiers: ClinVar variation 1605695 (VCV001605695.10), dbSNP rs370442239, ClinGen allele CA6129688.

ClinVar aggregate classification (germline): Likely benign. Review status: criteria provided, single submitter (1 of 4 stars). 2 submissions from 2 submitters: Likely benign (1). 1 of the submissions does not count toward it. Last evaluated 2022-01-12.

Conditions:
SPTBN2-related disorder. Also called: SPTBN2-related condition.

Allele frequency attached by ClinVar (database versions not stated): gnomAD exomes 0.00002; ExAC 0.00003; gnomAD 0.00003 and 0.00004; TOPMed 0.00003; ESP Exome Variant Server 0.00015.
gnomAD v4.1: 41 of 1,614,004 alleles (0.0025%); highest among the groups gnomAD compares: Non-Finnish European, 0.0035%; no homozygotes.

Submissions (2):

Labcorp Genetics (formerly Invitae), Labcorp
Classification: Likely benign. Last evaluated: 2022-01-12. Review status: criteria provided, single submitter. Criteria: Invitae Variant Classification Sherloc (09022015). Collection method: clinical testing. Allele origin: germline.

PreventionGenetics, part of Exact Sciences
Classification: Likely benign for SPTBN2-related condition. Last evaluated: 2019-06-14. Review status: no assertion criteria provided. Collection method: clinical testing. Allele origin: germline. Not counted in ClinVar's aggregate classification.
Comment: This variant is classified as likely benign based on ACMG/AMP sequence variant interpretation guidelines (Richards et al. 2015 PMID: 25741868, with internal and published modifications).